The following is an entry in ClinVar:

ClinVar aggregate classification (germline): Uncertain significance. Review status: criteria provided, single submitter (1 of 4 stars). 2 submissions from 2 submitters: Uncertain significance (1). 1 of the submissions does not count toward it. Last evaluated 2024-03-07.

Allele frequency attached by ClinVar (database versions not stated): ExAC 0.00001; gnomAD 0.00001; gnomAD exomes 0.00001 and 0.00002; TOPMed 0.00001.
gnomAD v4.1: 28 of 1,614,080 alleles (0.0017%); highest among the groups gnomAD compares: East Asian, 0.018%; no homozygotes.

Submissions (2):

Labcorp Genetics (formerly Invitae), Labcorp
Classification: Uncertain significance. Last evaluated: 2024-03-07. Review status: criteria provided, single submitter. Criteria: Invitae Variant Classification Sherloc (09022015). Collection method: clinical testing. Allele origin: germline.
Comment: This sequence change replaces glutamic acid, which is acidic and polar, with aspartic acid, which is acidic and polar, at codon 391 of the KANK1 protein (p.Glu391Asp). This variant is present in population databases (rs761807707, gnomAD 0.002%). This variant has not been reported in the literature in individuals affected with KANK1-related conditions. ClinVar contains an entry for this variant (Variation ID: 1049971). Advanced modeling of protein sequence and biophysical properties (such as structural, functional, and spatial information, amino acid conservation, physicochemical variation, residue mobility, and thermodynamic stability) performed at Invitae indicates that this missense variant is not expected to disrupt KANK1 protein function with a negative predictive value of 80%. In summary, the available evidence is currently insufficient to determine the role of this variant in disease. Therefore, it has been classified as a Variant of Uncertain Significance.

Department of Pathology and Laboratory Medicine, Sinai Health System
Classification: Uncertain significance. Review status: no assertion criteria provided. Collection method: clinical testing. Allele origin: unknown. Affected: yes. Study: The Canadian Open Genetics Repository (COGR). Not counted in ClinVar's aggregate classification.
Comment: The KANK1 p.Glu233Asp variant was not identified in the literature nor was it identified in the ClinVar, Cosmic, or LOVD 3.0. The variant was identified in dbSNP (ID: rs761807707) and in control databases in 2 of 251438 chromosomes at a frequency of 0.000008 (Genome Aggregation Database Feb 27, 2017). The variant was observed in the European (non-Finnish) population in 2 of 113732 chromosomes (freq: 0.000018), while the variant was not observed in the African, Latino, Ashkenazi Jewish, East Asian, European (Finnish), South Asian or Other populations. The p.Glu233 residue is conserved in in mammals but not in more distantly related organisms. Computational analyses (PolyPhen-2, SIFT, AlignGVGD, BLOSUM, MutationTaster) do not suggest a high likelihood of impact to the protein; this information is not predictive enough to rule out pathogenicity. The variant occurs outside of the splicing consensus sequence and 3 of 4 in silico or computational prediction software programs (SpliceSiteFinder, MaxEntScan, GeneSplicer) do not predict a difference in splicing; NNSPLICE predicts creation of two 3' slice sites outside of the site of variation. In summary, based on the above information the clinical significance of this variant cannot be determined with certainty at this time. This variant is classified as a variant of uncertain significance.

NM_015158.5(KANK1):c.1173G>T (p.Glu391Asp)

Gene: KANK1 (KN motif and ankyrin repeat domains 1; plus strand). Cytogenetic location: 9p24.3.
Variant type: single nucleotide variant.
Coding change: c.1173G>T on transcript NM_015158.5 (MANE Select); coding-DNA position 1173, G replaced by T.
Protein change: p.Glu391Asp; replaces glutamic acid 391 with aspartic acid.
Molecular consequence: missense variant. On other transcripts: non-coding transcript variant (1).
Genome position (GRCh38, 1-based): chr9:711,939, G>T. VCF-style: chr9-711939-G-T. GRCh37 (hg19) VCF-style: chr9-711939-G-T.
Other names: c.1173G>T, p.Glu391Asp (NM_001256876.3, NM_001256877.3, NM_001354331.2 and 2 more transcripts); c.699G>T, p.Glu233Asp (NM_001354333.2, NM_001354335.2, NM_001354336.2 and 9 more transcripts); short protein forms E233D, E391D.
Identifiers: ClinVar variation 1049971 (VCV001049971.7), dbSNP rs761807707, ClinGen allele CA4960144.